The following is an entry in ClinVar:

ClinVar aggregate classification (germline): Likely pathogenic (1 of 4 stars; one submission).

Conditions:
8q24.3 microdeletion syndrome. Also called: CHROMOSOME 8q24.3 DELETION SYNDROME; Verheij syndrome. Identifiers: Orphanet 508488, MedGen C3810023, MONDO:0014263, OMIM 615583.

Submission:

MGZ Medical Genetics Center
Classification: Likely pathogenic for 8q24.3 microdeletion syndrome. Last evaluated: 2022-05-25. Review status: criteria provided, single submitter. Criteria: ACMG Guidelines, 2015. Collection method: clinical testing. Allele origin: germline. Affected: yes. Observed: 1 variant allele.
Comment: ACMG criteria applied: PVS1, PM2_SUP

NM_078480.3(PUF60):c.642del (p.Ile214_Ile215insTer)

Gene: PUF60 (poly(U) binding splicing factor 60; minus strand). Cytogenetic location: 8q24.3.
Variant type: Deletion.
Coding change: c.642del on transcript NM_078480.3 (MANE Select); coding-DNA position 642, one base deleted (C; older notation c.642delC).
Protein change: p.Ile214_Ile215insTer.
Molecular consequence: frameshift variant.
Genome position (GRCh38, 1-based): chr8:143,818,037, G deleted on the plus strand (C on the coding strand, the reverse complement: PUF60 is on the minus strand). VCF-style (leftmost placement, unchanged base first): chr8-143818036-TG-T. GRCh37 (hg19) VCF-style: chr8-144900206-TG-T.
Other names: c.513del, p.Ile171_Ile172insTer (NM_001136033.3); c.588del, p.Ile196_Ile197insTer (NM_001271096.2); c.504del, p.Ile168_Ile169insTer (NM_001271097.2); c.639del, p.Ile213_Ile214insTer (NM_001271098.2); c.555del, p.Ile185_Ile186insTer (NM_001271099.2); c.462del, p.Ile154_Ile155insTer (NM_001271100.2); c.753del, p.Ile251_Ile252insTer (NM_001362895.2, NM_001362896.2); c.702del, p.Ile234_Ile235insTer (NM_001362897.2); and 1 more.
Identifiers: ClinVar variation 1709445 (VCV001709445.2), dbSNP rs2538860667, ClinGen allele CA2580078742.